The following is an entry in ClinVar:

NM_000135.4(FANCA):c.2593A>G (p.Ile865Val)

Gene: FANCA (FA complementation group A; minus strand). Cytogenetic location: 16q24.3.
Variant type: single nucleotide variant.
Coding change: c.2593A>G on transcript NM_000135.4 (MANE Select); coding-DNA position 2593, A replaced by G.
Protein change: p.Ile865Val; replaces isoleucine 865 with valine.
Molecular consequence: missense variant.
Genome position (GRCh38, 1-based): chr16:89,767,149, T>C on the plus strand (A>G on the coding strand, the complement: FANCA is on the minus strand). VCF-style: chr16-89767149-T-C. GRCh37 (hg19) VCF-style: chr16-89833557-T-C.
Other names: c.2593A>G, p.Ile865Val (NM_001286167.3); c.2593A>G (NM_000135.3, LRG_495t1); short protein forms I865V.
Identifiers: ClinVar variation 237040 (VCV000237040.10), dbSNP rs878853662, ClinGen allele CA10583438.

ClinVar aggregate classification (germline): Uncertain significance. Review status: criteria provided, multiple submitters, no conflicts (2 of 4 stars). 3 submissions from 3 submitters: Uncertain significance (2). 1 of the submissions does not count toward it. Last evaluated 2024-04-09.

Conditions:
Fanconi anemia (FA). Also called: Fanconi's anemia. Identifiers: Orphanet 84, MedGen C0015625, MeSH D005199, MONDO:0019391.
Fanconi anemia complementation group A (FANCA). Also called: FANCA-Related Fanconi Anemia; Fanconi anemia, group A. Identifiers: Orphanet 84, MedGen C3469521, MONDO:0009215, OMIM 227650.

Allele frequency attached by ClinVar (database versions not stated): gnomAD exomes below 0.00001 and 0.00001; TOPMed 0.00002.
gnomAD v4.1: 8 of 1,610,818 alleles (0.0005%); highest among the groups gnomAD compares: African/African-American, 0.0013%; no homozygotes.

Submissions (3):

Quest Diagnostics Nichols Institute San Juan Capistrano
Classification: Uncertain significance. Last evaluated: 2024-04-09. Review status: criteria provided, single submitter. Criteria: Quest Diagnostics criteria. Collection method: clinical testing. Allele origin: unknown.
Comment: The FANCA c.2593A>G (p.Ile865Val) variant has not been reported in individuals with FANCA-related conditions in the published literature. The frequency of this variant in the general population, 0.000004 (1/251450 chromosomes (Genome Aggregation Database)), is uninformative in the assessment of its pathogenicity. Analysis of this variant using bioinformatics tools for the prediction of the effect of amino acid changes on protein structure and function yielded predictions that this variant is benign. Based on the available information, we are unable to determine the clinical significance of this variant.

Labcorp Genetics (formerly Invitae), Labcorp
Classification: Uncertain significance for Fanconi anemia. Last evaluated: 2021-08-27. Review status: criteria provided, single submitter. Criteria: Invitae Variant Classification Sherloc (09022015). Collection method: clinical testing. Allele origin: germline.
Comment: This sequence change replaces isoleucine with valine at codon 865 of the FANCA protein (p.Ile865Val). The isoleucine residue is weakly conserved and there is a small physicochemical difference between isoleucine and valine. This variant is not present in population databases (ExAC no frequency). This variant has not been reported in the literature in individuals affected with FANCA-related conditions. ClinVar contains an entry for this variant (Variation ID: 237040). Algorithms developed to predict the effect of missense changes on protein structure and function output the following: SIFT: "Tolerated"; PolyPhen-2: "Benign"; Align-GVGD: "Class C0". The valine amino acid residue is found in multiple mammalian species, which suggests that this missense change does not adversely affect protein function. In summary, the available evidence is currently insufficient to determine the role of this variant in disease. Therefore, it has been classified as a Variant of Uncertain Significance.

Counsyl
Classification: Uncertain significance for Fanconi anemia complementation group A. Last evaluated: 2018-02-02. Review status: no assertion criteria provided. Collection method: clinical testing. Allele origin: unknown. Not counted in ClinVar's aggregate classification.